The following is an entry in ClinVar:

ClinVar aggregate classification (germline): Uncertain significance (1 of 4 stars; one submission).

Allele frequency attached by ClinVar (database versions not stated): gnomAD 0.00001; gnomAD exomes 0.00001; ExAC 0.00005.
gnomAD v4.1: 23 of 1,605,002 alleles (0.0014%); highest among the groups gnomAD compares: South Asian, 0.017%; no homozygotes.

Submission:

Labcorp Genetics (formerly Invitae), Labcorp
Classification: Uncertain significance. Last evaluated: 2022-03-16. Review status: criteria provided, single submitter. Criteria: Invitae Variant Classification Sherloc (09022015). Collection method: clinical testing. Allele origin: germline.
Comment: This sequence change replaces histidine, which is basic and polar, with tyrosine, which is neutral and polar, at codon 235 of the COL18A1 protein (p.His235Tyr). This variant is present in population databases (rs759233330, gnomAD 0.03%). This variant has not been reported in the literature in individuals affected with COL18A1-related conditions. Experimental studies and prediction algorithms are not available or were not evaluated, and the functional significance of this variant is currently unknown. In summary, the available evidence is currently insufficient to determine the role of this variant in disease. Therefore, it has been classified as a Variant of Uncertain Significance.

NM_001379500.1(COL18A1):c.703C>T (p.His235Tyr)

Gene: COL18A1 (collagen type XVIII alpha 1 chain; plus strand). Cytogenetic location: 21q22.3.
Variant type: single nucleotide variant.
Coding change: c.703C>T on transcript NM_001379500.1 (MANE Select); coding-DNA position 703, C replaced by T.
Protein change: p.His235Tyr; replaces histidine 235 with tyrosine.
Molecular consequence: missense variant.
Genome position (GRCh38, 1-based): chr21:45,473,946, C>T. VCF-style: chr21-45473946-C-T. GRCh37 (hg19) VCF-style: chr21-46893860-C-T.
Other names: c.1243C>T, p.His415Tyr (NM_030582.4); c.1948C>T, p.His650Tyr (NM_130444.3); short protein forms H235Y, H415Y, H650Y.
Identifiers: ClinVar variation 1953892 (VCV001953892.2), dbSNP rs759233330, ClinGen allele CA10065853.
Genomic context (GRCh38, chr21:45,473,946, plus strand): 5'-TGCATTTAGGGGGTGATCGCTGAGCTGAAGGTGCGCAGGGACCCCCAGGTGAGCCCCATG[C>T]ACTGCCTGGACGAGGAAGGCGATGACTCAGATGGGGTGAGTGACATCTGGGGCACGGGTG-3'
Protein context (NP_001366429.1, residues 225-245): VRRDPQVSPM[His235Tyr]CLDEEGDDSD